The following is an entry in ClinVar:

ClinVar aggregate classification (germline): Uncertain significance (1 of 4 stars; one submission).

Conditions:
Diffuse cerebral and cerebellar atrophy - intractable seizures - progressive microcephaly syndrome. Also called: Microcephaly, progressive, with seizures and cerebral and cerebellar atrophy. Identifiers: Orphanet 404437, MedGen C4014239, MONDO:0014335, OMIM 615760.

Allele frequency attached by ClinVar (database versions not stated): gnomAD exomes below 0.00001.
gnomAD v4.1: 2 of 1,614,206 alleles (0.00012%); highest among the groups gnomAD compares: Non-Finnish European, 0.00017%; no homozygotes.

Submission:

Labcorp Genetics (formerly Invitae), Labcorp
Classification: Uncertain significance for Diffuse cerebral and cerebellar atrophy - intractable seizures - progressive microcephaly syndrome. Last evaluated: 2019-04-19. Review status: criteria provided, single submitter. Criteria: Invitae Variant Classification Sherloc (09022015). Collection method: clinical testing. Allele origin: germline.
Comment: Algorithms developed to predict the effect of missense changes on protein structure and function are either unavailable or do not agree on the potential impact of this missense change (SIFT: "Deleterious"; PolyPhen-2: "Probably Damaging"; Align-GVGD: "Class C0"). In summary, the available evidence is currently insufficient to determine the role of this variant in disease. Therefore, it has been classified as a Variant of Uncertain Significance. This variant has not been reported in the literature in individuals with QARS-related conditions. This variant is not present in population databases (ExAC no frequency). This sequence change replaces glycine with glutamic acid at codon 429 of the QARS protein (p.Gly429Glu). The glycine residue is highly conserved and there is a moderate physicochemical difference between glycine and glutamic acid.

NM_005051.3(QARS1):c.1286G>A (p.Gly429Glu)

Gene: QARS1 (glutaminyl-tRNA synthetase 1; minus strand). Cytogenetic location: 3p21.31.
Variant type: single nucleotide variant.
Coding change: c.1286G>A on transcript NM_005051.3 (MANE Select); coding-DNA position 1286, G replaced by A.
Protein change: p.Gly429Glu; replaces glycine 429 with glutamic acid.
Molecular consequence: missense variant. On other transcripts: non-coding transcript variant (1).
Genome position (GRCh38, 1-based): chr3:49,099,970, C>T on the plus strand (G>A on the coding strand, the complement: QARS1 is on the minus strand). VCF-style: chr3-49099970-C-T. GRCh37 (hg19) VCF-style: chr3-49137403-C-T.
Other names: c.1253G>A, p.Gly418Glu (NM_001272073.2); short protein forms G418E, G429E.
Identifiers: ClinVar variation 863517 (VCV000863517.6), dbSNP rs2042446400, ClinGen allele CA352708433.